The following is an entry in ClinVar:

NM_006231.4(POLE):c.3264_3275+13dup

Gene: POLE (DNA polymerase epsilon, catalytic subunit; minus strand). Cytogenetic location: 12q24.33.
Variant type: Duplication.
Coding change: c.3264_3275+13dup on transcript NM_006231.4 (MANE Select); coding-DNA position 3264 through 13 bases into the intron after coding-DNA position 3275, 25 bases duplicated (TGTCACGGAGAGGTGAGGGCTCCCC).
Molecular consequence: splice donor variant.
Genome position (GRCh38, 1-based): chr12:132,659,282-132,659,306, GGGGAGCCCTCACCTCTCCGTGACA duplicated on the plus strand (TGTCACGGAGAGGTGAGGGCTCCCC on the coding strand, the reverse complement: POLE is on the minus strand); duplicating any 25 consecutive bases within chr12:132,659,282-132,659,317 gives the same sequence; the c. name uses the placement nearest the transcript's 3' end. VCF-style (leftmost placement, unchanged base first): chr12-132659281-G-GGGGGAGCCCTCACCTCTCCGTGACA. GRCh37 (hg19) VCF-style: chr12-133235867-G-GGGGGAGCCCTCACCTCTCCGTGACA.
Identifiers: ClinVar variation 508542 (VCV000508542.6), dbSNP rs761516512, ClinGen allele CA658797979.
Genomic context (GRCh38, chr12:132,659,281, plus strand): 5'-CCGTGACGGAGGGAGCCCTCACCTGTCCGTGATGGGAGGAGCCCTCACCTCTCCGTGATG[G>GGGGGAGCCCTCACCTCTCCGTGACA]GGGGAGCCCTCACCTCTCCGTGACAGGGGAGCCCTCGGGCTTGCGGGAGATGATGTAGCG-3'

ClinVar aggregate classification (germline): Conflicting classifications of pathogenicity. Review status: criteria provided, conflicting classifications (1 of 4 stars). 2 submissions from 2 submitters: Uncertain significance (1); Likely benign (1). Last evaluated 2024-05-21.

Submissions (2):

Labcorp Genetics (formerly Invitae), Labcorp
Classification: Uncertain significance. Last evaluated: 2024-05-21. Review status: criteria provided, single submitter. Criteria: Invitae Variant Classification Sherloc (09022015). Collection method: clinical testing. Allele origin: germline.
Comment: This sequence change falls in intron 26 of the POLE gene. It does not directly change the encoded amino acid sequence of the POLE protein. This variant is not present in population databases (gnomAD no frequency). This variant has not been reported in the literature in individuals affected with POLE-related conditions. ClinVar contains an entry for this variant (Variation ID: 508542). In summary, the available evidence is currently insufficient to determine the role of this variant in disease. Therefore, it has been classified as a Variant of Uncertain Significance.

GeneDx
Classification: Likely benign. Last evaluated: 2017-04-08. Review status: criteria provided, single submitter. Criteria: GeneDx Variant Classification (06012015). Collection method: clinical testing. Allele origin: germline. Affected: yes.
Comment: This variant is considered likely benign or benign based on one or more of the following criteria: it is a conservative change, it occurs at a poorly conserved position in the protein, it is predicted to be benign by multiple in silico algorithms, and/or has population frequency not consistent with disease.